The following is an entry in ClinVar:

NM_001458.5(FLNC):c.1692G>C (p.Gln564His)

Gene: FLNC (filamin C; plus strand). Cytogenetic location: 7q32.1.
Variant type: single nucleotide variant.
Coding change: c.1692G>C on transcript NM_001458.5 (MANE Select); coding-DNA position 1692, G replaced by C.
Protein change: p.Gln564His; replaces glutamine 564 with histidine.
Molecular consequence: missense variant.
Genome position (GRCh38, 1-based): chr7:128,840,849, G>C. VCF-style: chr7-128840849-G-C. GRCh37 (hg19) VCF-style: chr7-128480903-G-C.
Other names: c.1692G>C, p.Gln564His (NM_001127487.2); short protein forms Q564H.
Identifiers: ClinVar variation 1778165 (VCV001778165.2), dbSNP rs2536627081, ClinGen allele CA369226872.

ClinVar aggregate classification (germline): Uncertain significance (1 of 4 stars; one submission).

Conditions:
Cardiovascular phenotype. Identifiers: MedGen CN230736.

Allele frequency attached by ClinVar (database versions not stated): gnomAD exomes below 0.00001.
gnomAD v4.1: 1 of 1,614,124 alleles (0.000062%); highest among the groups gnomAD compares: Non-Finnish European, 0.000085%; no homozygotes.

Submission:

Ambry Genetics
Classification: Uncertain significance for Cardiovascular phenotype. Last evaluated: 2021-02-25. Review status: criteria provided, single submitter. Criteria: Ambry Variant Classification Scheme 2023. Collection method: clinical testing. Allele origin: germline.
Comment: The p.Q564H variant (also known as c.1692G>C), located in coding exon 11 of the FLNC gene, results from a G to C substitution at nucleotide position 1692. The glutamine at codon 564 is replaced by histidine, an amino acid with highly similar properties. This amino acid position is not well conserved in available vertebrate species, and histidine is the reference amino acid in other vertebrate species. In addition, this alteration is predicted to be tolerated by in silico analysis. Since supporting evidence is limited at this time, the clinical significance of this alteration remains unclear.